The following is an entry in ClinVar:

ClinVar aggregate classification (germline): Conflicting classifications of pathogenicity. Review status: criteria provided, conflicting classifications (1 of 4 stars). 3 submissions from 3 submitters: Uncertain significance (2); Likely benign (1). Last evaluated 2025-11-17.

Conditions:
Hereditary cancer-predisposing syndrome. Also called: Neoplastic Syndromes, Hereditary; Tumor predisposition; Hereditary Cancer Syndrome; Hereditary neoplastic syndrome. Identifiers: Orphanet 140162, MedGen C0027672, MeSH D009386, MONDO:0015356.
Rhabdoid tumor predisposition syndrome 1 (RTPS1). Also called: Familial Posterior Fossa Brain Tumor of Infancy. Identifiers: Orphanet 231108, Orphanet 69077, MedGen C1836327, MONDO:0012252, OMIM 609322.

Allele frequency attached by ClinVar (database versions not stated): ExAC 0.00001; gnomAD exomes 0.00001.
gnomAD v4.1: 19 of 1,613,996 alleles (0.0012%); highest among the groups gnomAD compares: Admixed American, 0.0033%; no homozygotes.

Submissions (3):

Labcorp Genetics (formerly Invitae), Labcorp
Classification: Uncertain significance. Last evaluated: 2025-11-17. Review status: criteria provided, single submitter. Criteria: Invitae Variant Classification Sherloc (09022015). Collection method: clinical testing. Allele origin: germline.
Comment: This sequence change replaces threonine, which is neutral and polar, with methionine, which is neutral and non-polar, at codon 232 of the SMARCB1 protein (p.Thr232Met). This variant is present in population databases (rs776693680, gnomAD 0.006%). This variant has not been reported in the literature in individuals affected with SMARCB1-related conditions. ClinVar contains an entry for this variant (Variation ID: 464334). Invitae Evidence Modeling of protein sequence and biophysical properties (such as structural, functional, and spatial information, amino acid conservation, physicochemical variation, residue mobility, and thermodynamic stability) indicates that this missense variant is not expected to disrupt SMARCB1 protein function with a negative predictive value of 80%. In summary, the available evidence is currently insufficient to determine the role of this variant in disease. Therefore, it has been classified as a Variant of Uncertain Significance.

Baylor Genetics
Classification: Uncertain significance for Rhabdoid tumor predisposition syndrome 1. Last evaluated: 2023-10-09. Review status: criteria provided, single submitter. Criteria: ACMG Guidelines, 2015. Collection method: clinical testing. Allele origin: unknown.

Ambry Genetics
Classification: Likely benign for Hereditary cancer-predisposing syndrome. Last evaluated: 2023-10-06. Review status: criteria provided, single submitter. Criteria: Ambry Variant Classification Scheme 2023. Collection method: clinical testing. Allele origin: germline.

NM_003073.5(SMARCB1):c.695C>T (p.Thr232Met)

Gene: SMARCB1 (SWI/SNF related BAF chromatin remodeling complex subunit B1; plus strand). Cytogenetic location: 22q11.23.
Variant type: single nucleotide variant.
Coding change: c.695C>T on transcript NM_003073.5 (MANE Select); coding-DNA position 695, C replaced by T.
Protein change: p.Thr232Met; replaces threonine 232 with methionine.
Molecular consequence: missense variant.
Genome position (GRCh38, 1-based): chr22:23,816,836, C>T. VCF-style: chr22-23816836-C-T. GRCh37 (hg19) VCF-style: chr22-24159023-C-T.
Other names: c.695C>T (LRG_520t1); c.668C>T, p.Thr223Met (NM_001007468.3); c.722C>T, p.Thr241Met (NM_001317946.2); c.749C>T, p.Thr250Met (NM_001362877.2); short protein forms T232M, T223M, T250M, T241M.
Identifiers: ClinVar variation 464334 (VCV000464334.10), dbSNP rs776693680, ClinGen allele CA10146033.